The following is an entry in ClinVar:

ClinVar aggregate classification (germline): Uncertain significance. Review status: criteria provided, multiple submitters, no conflicts (2 of 4 stars). 2 submissions from 2 submitters: Uncertain significance (2). Last evaluated 2025-02-19.

Allele frequency attached by ClinVar (database versions not stated): gnomAD exomes 0.00001; gnomAD 0.00002; TOPMed 0.00002; ESP Exome Variant Server 0.00009; ExAC 0.00010.
gnomAD v4.1: 16 of 1,584,940 alleles (0.001%); highest among the groups gnomAD compares: Non-Finnish European, 0.0014%; no homozygotes.

Submissions (2):

Ambry Genetics
Classification: Uncertain significance. Last evaluated: 2025-02-19. Review status: criteria provided, single submitter. Criteria: Ambry Variant Classification Scheme 2023. Collection method: clinical testing. Allele origin: germline.

Labcorp Genetics (formerly Invitae), Labcorp
Classification: Uncertain significance. Last evaluated: 2024-04-29. Review status: criteria provided, single submitter. Criteria: Invitae Variant Classification Sherloc (09022015). Collection method: clinical testing. Allele origin: germline.
Comment: This sequence change replaces histidine, which is basic and polar, with tyrosine, which is neutral and polar, at codon 342 of the POC5 protein (p.His342Tyr). This variant is present in population databases (rs368789105, gnomAD 0.005%). This variant has not been reported in the literature in individuals affected with POC5-related conditions. ClinVar contains an entry for this variant (Variation ID: 1989006). An algorithm developed to predict the effect of missense changes on protein structure and function (PolyPhen-2) suggests that this variant is likely to be disruptive. In summary, the available evidence is currently insufficient to determine the role of this variant in disease. Therefore, it has been classified as a Variant of Uncertain Significance.

NM_001099271.2(POC5):c.1024C>T (p.His342Tyr)

Gene: POC5 (POC5 centriolar protein; minus strand). Cytogenetic location: 5q13.3.
Variant type: single nucleotide variant.
Coding change: c.1024C>T on transcript NM_001099271.2 (MANE Select); coding-DNA position 1024, C replaced by T.
Protein change: p.His342Tyr; replaces histidine 342 with tyrosine.
Molecular consequence: missense variant.
Genome position (GRCh38, 1-based): chr5:75,689,117, G>A on the plus strand (C>T on the coding strand, the complement: POC5 is on the minus strand). VCF-style: chr5-75689117-G-A. GRCh37 (hg19) VCF-style: chr5-74984942-G-A.
Other names: c.949C>T, p.His317Tyr (NM_152408.3); c.1024C>T (NM_001099271.1); short protein forms H317Y, H342Y.
Identifiers: ClinVar variation 1989006 (VCV001989006.5), dbSNP rs368789105, ClinGen allele CA3310417.